The following is an entry in ClinVar:

ClinVar aggregate classification (germline): Pathogenic (1 of 4 stars; one submission).

Submission:

GeneDx
Classification: Pathogenic. Last evaluated: 2016-05-24. Review status: criteria provided, single submitter. Criteria: GeneDx Variant Classification (06012015). Collection method: clinical testing. Allele origin: germline. Affected: yes.
Comment: The c.512delG pathogenic variant in the NKX2-1 gene has not been reported previously as a pathogenic variant nor as a benign variant, to our knowledge. The c.512delG variant causes a frameshift starting with codon Glycine 171, changes this amino acid to an Alanine residue, and creates a premature Stop codon at position 9 of the new reading frame, denoted p.Gly171AlafsX9. This variant is predicted to cause loss of normal protein function through protein truncation. The c.512delG variant was not observed in approximately 6,500 individuals of European and African American ancestry in the NHLBI Exome Sequencing Project, indicating it is not a common benign variant in these populations. We interpret c.512delG as a pathogenic variant

NM_001079668.3(NKX2-1):c.512del (p.Gly171fs)

Genes: NKX2-1 (NK2 homeobox 1; minus strand), SFTA3 (surfactant associated 3; minus strand). Cytogenetic location: 14q13.3.
Variant type: Deletion.
Coding change: c.512del on transcript NM_001079668.3 (MANE Select); coding-DNA position 512, one base deleted (G; older notation c.512delG).
Protein change: p.Gly171fs; shifts the reading frame from glycine 171.
Molecular consequence: frameshift variant.
Genome position (GRCh38, 1-based): chr14:36,517,972, C deleted on the plus strand (G on the coding strand, the reverse complement: NKX2-1 is on the minus strand); the first of 3 consecutive C bases (chr14:36,517,972-36,517,974); deleting any one gives the same sequence. VCF-style (leftmost placement, unchanged base first): chr14-36517971-GC-G. GRCh37 (hg19) VCF-style: chr14-36987176-GC-G.
Other names: c.422del, p.Gly141fs (NM_003317.4); short protein forms G171fs, G141fs.
Identifiers: ClinVar variation 280635 (VCV000280635.2), dbSNP rs886041803, ClinGen allele CA10603405.